The following is an entry in ClinVar:

NM_005422.4(TECTA):c.691G>A (p.Val231Met)

Genes: TBCEL-TECTA (TBCEL-TECTA readthrough; plus strand), TECTA (tectorin alpha; plus strand). Cytogenetic location: 11q23.3.
Variant type: single nucleotide variant.
Coding change: c.691G>A on transcript NM_005422.4 (MANE Select); coding-DNA position 691, G replaced by A.
Protein change: p.Val231Met; replaces valine 231 with methionine.
Molecular consequence: missense variant.
Genome position (GRCh38, 1-based): chr11:121,113,619, G>A. VCF-style: chr11-121113619-G-A. GRCh37 (hg19) VCF-style: chr11-120984328-G-A.
Other names: c.1648G>A, p.Val550Met (NM_001378761.1); short protein forms V231M, V550M.
Identifiers: ClinVar variation 1928821 (VCV001928821.6), dbSNP rs754983456, ClinGen allele CA6326578.

ClinVar aggregate classification (germline): Uncertain significance. Review status: criteria provided, multiple submitters, no conflicts (2 of 4 stars). 2 submissions from 2 submitters: Uncertain significance (2). Last evaluated 2022-09-27.

Allele frequency attached by ClinVar (database versions not stated): TOPMed below 0.00001; ExAC 0.00001; gnomAD exomes 0.00001.
gnomAD v4.1: 8 of 1,613,964 alleles (0.0005%); highest among the groups gnomAD compares: South Asian, 0.0022%; no homozygotes.

Submissions (2):

Labcorp Genetics (formerly Invitae), Labcorp
Classification: Uncertain significance. Last evaluated: 2022-09-27. Review status: criteria provided, single submitter. Criteria: Invitae Variant Classification Sherloc (09022015). Collection method: clinical testing. Allele origin: germline.
Comment: In summary, the available evidence is currently insufficient to determine the role of this variant in disease. Therefore, it has been classified as a Variant of Uncertain Significance. Advanced modeling of protein sequence and biophysical properties (such as structural, functional, and spatial information, amino acid conservation, physicochemical variation, residue mobility, and thermodynamic stability) performed at Invitae indicates that this missense variant is not expected to disrupt TECTA protein function. This variant has not been reported in the literature in individuals affected with TECTA-related conditions. This variant is present in population databases (rs754983456, gnomAD 0.0009%). This sequence change replaces valine, which is neutral and non-polar, with methionine, which is neutral and non-polar, at codon 231 of the TECTA protein (p.Val231Met).

Blueprint Genetics
Classification: Uncertain significance. Last evaluated: 2020-02-12. Review status: criteria provided, single submitter. Criteria: ACMG Guidelines, 2015. Collection method: clinical testing. Allele origin: germline.